The following is an entry in ClinVar:

NM_000038.6(APC):c.8266A>G (p.Ile2756Val)

Gene: APC (APC regulator of Wnt signaling pathway; plus strand). Cytogenetic location: 5q22.2.
Variant type: single nucleotide variant.
Coding change: c.8266A>G on transcript NM_000038.6 (MANE Select); coding-DNA position 8266, A replaced by G.
Protein change: p.Ile2756Val; replaces isoleucine 2756 with valine.
Molecular consequence: missense variant.
Genome position (GRCh38, 1-based): chr5:112,843,860, A>G. VCF-style: chr5-112843860-A-G. GRCh37 (hg19) VCF-style: chr5-112179557-A-G.
Other names: p.I2756V:ATA>GTA; c.8266A>G, p.Ile2756Val (NM_001127510.3, NM_001354895.2); c.8212A>G, p.Ile2738Val (NM_001127511.3); c.8320A>G, p.Ile2774Val (NM_001354896.2); c.8296A>G, p.Ile2766Val (NM_001354897.2); c.8191A>G, p.Ile2731Val (NM_001354898.2); c.8182A>G, p.Ile2728Val (NM_001354899.2); c.8143A>G, p.Ile2715Val (NM_001354900.2); and 6 more; short protein forms I2756V, I2738V, I2596V, I2630V, I2697V, I2731V, I2473V, I2655V.
Identifiers: ClinVar variation 135724 (VCV000135724.47), dbSNP rs146115809, ClinGen allele CA014501.

ClinVar aggregate classification (germline): Conflicting classifications of pathogenicity. Review status: criteria provided, conflicting classifications (1 of 4 stars). 18 submissions from 18 submitters: Uncertain significance (4); Benign (1); Likely benign (12). 1 of the submissions does not count toward it. Last evaluated 2026-07-13.

Conditions:
APC-related disorder. Also called: APC-related condition.
Gastric adenocarcinoma and proximal polyposis of the stomach (GAPPS). Also called: Polyposis, gastric, Dos Santos and de Magalhaes 1980; Gastric Adenocarcinoma and Proximal Polyposis of the Stomach (GAPPS); POLYPOSIS, GASTRIC. Identifiers: Orphanet 314022, MedGen C4749917, MONDO:0017790, OMIM 619182.
Classic or attenuated familial adenomatous polyposis. Identifiers: MedGen CN372698, MONDO:0021057.
Colorectal adenoma. Identifiers: MedGen C1302401, MONDO:0005484.
APC-Associated Polyposis Disorders.
Hereditary cancer-predisposing syndrome. Also called: Neoplastic Syndromes, Hereditary; Tumor predisposition; Hereditary Cancer Syndrome; Hereditary neoplastic syndrome. Identifiers: Orphanet 140162, MedGen C0027672, MeSH D009386, MONDO:0015356.
Ovarian cancer. Also called: OVARIAN CANCER, SOMATIC. Identifiers: Orphanet 213500, MedGen C1140680, MONDO:0008170, OMIM 167000.
Desmoid disease, hereditary (DESMD). Also called: FIBROMATOSIS, FAMILIAL INFILTRATIVE. Identifiers: Orphanet 873, MedGen C1851124, OMIM 135290. Disease mechanism: loss of function.
Familial adenomatous polyposis 1 (FAP1). Also called: FAMILIAL ADENOMATOUS POLYPOSIS 1, ATTENUATED; POLYPOSIS, ADENOMATOUS INTESTINAL. Identifiers: MedGen C2713442, MONDO:0021056, OMIM 175100. Disease mechanism: loss of function.

Allele frequency attached by ClinVar (database versions not stated): gnomAD exomes 0.00003 and 0.00009; ExAC 0.00008; ESP Exome Variant Server 0.00023; gnomAD 0.00026 and 0.00027; 1000 Genomes Project 30x 0.00031; TOPMed 0.00035; 1000 Genomes Project 0.00040.
gnomAD v4.1: 87 of 1,614,068 alleles (0.0054%); highest among the groups gnomAD compares: African/African-American, 0.073%; no homozygotes.

Submissions (18):

PreventionGenetics, part of Exact Sciences
Classification: Likely benign for APC-related condition. Last evaluated: 2026-07-13. Review status: criteria provided, single submitter. Criteria: ACMG Guidelines, 2015. Collection method: clinical testing. Allele origin: germline.
Comment: This variant is classified as likely benign based on ACMG/AMP sequence variant interpretation guidelines (Richards et al. 2015 PMID: 25741868, with internal and published modifications).

Labcorp Genetics (formerly Invitae), Labcorp
Classification: Likely benign for Familial adenomatous polyposis 1. Last evaluated: 2026-01-28. Review status: criteria provided, single submitter. Criteria: Invitae Variant Classification Sherloc (09022015). Collection method: clinical testing. Allele origin: germline.

Center for Genomic Medicine, Rigshospitalet, Copenhagen University Hospital
Classification: Likely benign. Last evaluated: 2025-03-04. Review status: criteria provided, single submitter. Criteria: ACMG Guidelines, 2015. Collection method: clinical testing. Allele origin: germline.

Color Diagnostics, LLC DBA Color Health
Classification: Likely benign for Hereditary cancer-predisposing syndrome. Last evaluated: 2024-09-19. Review status: criteria provided, single submitter. Criteria: ACMG Guidelines, 2015. Collection method: clinical testing. Allele origin: germline.

Quest Diagnostics Nichols Institute San Juan Capistrano
Classification: Likely benign. Last evaluated: 2023-08-09. Review status: criteria provided, single submitter. Criteria: Quest Diagnostics criteria. Collection method: clinical testing. Allele origin: unknown.

Revvity Omics, Revvity
Classification: Uncertain significance. Last evaluated: 2023-07-24. Review status: criteria provided, single submitter. Criteria: ACMG Guidelines, 2015. Collection method: clinical testing. Allele origin: germline.

Myriad Genetics, Inc.
Classification: Likely benign for Familial adenomatous polyposis 1. Last evaluated: 2023-02-21. Review status: criteria provided, single submitter. Criteria: Myriad Autosomal Dominant, Autosomal Recessive and X-Linked Classification Criteria (2023). Collection method: clinical testing. Allele origin: unknown.
Comment: This variant is considered likely benign. This variant has been observed at a population frequency that is significantly greater than expected given the associated disease prevalence and penetrance.

Women's Health and Genetics/Laboratory Corporation of America, LabCorp
Classification: Likely benign. Last evaluated: 2022-11-22. Review status: criteria provided, single submitter. Criteria: LabCorp Variant Classification Summary - May 2015. Collection method: clinical testing. Allele origin: germline.
Comment: Variant summary: APC c.8266A>G (p.Ile2756Val) results in a conservative amino acid change located in the EB-1 binding of the encoded protein sequence. Five of five in-silico tools predict a benign effect of the variant on protein function. The variant allele was found at a frequency of 9.1e-05 in 253078 control chromosomes, predominantly at a frequency of 0.00062 within the African or African-American subpopulation in the gnomAD database. The observed variant frequency within African or African-American control individuals in the gnomAD database is approximately 9 fold of the estimated maximal expected allele frequency for a pathogenic variant in APC causing Familial Adenomatous Polyposis phenotype (7.1e-05), strongly suggesting that the variant is a benign polymorphism found primarily in populations of African or African-American origin. c.8266A>G has been reported in the literature in an individual affected with colorectal adenomas (example, Azzopardi_2008). These reports do not provide unequivocal conclusions about association of the variant with Familial Adenomatous Polyposis. To our knowledge, no experimental evidence demonstrating an impact on protein function has been reported. Ten clinical diagnostic laboratories have submitted clinical-significance assessments for this variant to ClinVar after 2014 without evidence for independent evaluation. Multiple laboratories reported the variant with conflicting assessments (likely benign n=7, VUS n=3). Based on the evidence outlined above, the variant was classified as likely benign.

Laboratory of Molecular Epidemiology of Birth Defects, West China Second University Hospital, Sichuan University
Classification: Benign for Ovarian cancer. Last evaluated: 2022-01-01. Review status: criteria provided, single submitter. Criteria: ACMG Guidelines, 2015. Collection method: clinical testing. Allele origin: germline. Affected: yes.

Genetic Services Laboratory, University of Chicago
Classification: Uncertain significance. Last evaluated: 2021-07-19. Review status: criteria provided, single submitter. Criteria: ACMG Guidelines, 2015. Collection method: clinical testing. Allele origin: germline. Affected: no.
Comment: DNA sequence analysis of the APC gene demonstrated a sequence change, c.8266A>G, in exon 16 that results in an amino acid change, p.Ile2756Val. This sequence change has been previously described in an individual with colorectal adenoma, but no detailed information was provided (PMID: 18199528). This sequence change has been described in the gnomAD database in the African/African American subpopulation with a low frequency of 0.048% (dbSNP rs146115809). The p.Ile2756Val change affects a moderately conserved amino acid residue located in a domain of the APC protein that is known to be functional. The p.Ile2756Val substitution appears to be benign using several in-silico pathogenicity prediction tools (SIFT, PolyPhen2, Align GVGD, REVEL). Due to these contrasting evidences and the lack of functional studies, the clinical significance of the p.Ile2756Val change remains unknown at this time.

Department of Pathology and Laboratory Medicine, Sinai Health System
Classification: Likely benign for Familial adenomatous polyposis 1; Desmoid disease, hereditary. Last evaluated: 2021-05-03. Review status: criteria provided, single submitter. Criteria: ACMG Guidelines, 2015. Collection method: clinical testing. Allele origin: germline. Affected: yes.

Sema4
Classification: Likely benign for Hereditary cancer-predisposing syndrome. Last evaluated: 2021-01-31. Review status: criteria provided, single submitter. Criteria: Sema4 Curation Guidelines. Collection method: curation. Allele origin: germline.

GeneDx
Classification: Likely benign. Last evaluated: 2020-12-03. Review status: criteria provided, single submitter. Criteria: GeneDx Variant Classification Process June 2021. Collection method: clinical testing. Allele origin: germline. Affected: yes.
Comment: This variant is associated with the following publications: (PMID: 21859464, 25637381, 18199528, 26332594, 28166811)

Baylor Genetics
Classification: Uncertain significance for Familial adenomatous polyposis 1. Last evaluated: 2020-02-23. Review status: criteria provided, single submitter. Criteria: ACMG Guidelines, 2015. Collection method: clinical testing. Allele origin: unknown. Affected: yes. Study: CSER-TexasKidsCanSeq.
Comment: This variant was determined to be of uncertain significance according to ACMG Guidelines, 2015 [PMID:25741868].

Ambry Genetics
Classification: Likely benign for Hereditary cancer-predisposing syndrome. Last evaluated: 2019-04-24. Review status: criteria provided, single submitter. Criteria: Ambry Variant Classification Scheme 2023. Collection method: clinical testing. Allele origin: germline.

Illumina Laboratory Services, Illumina
Classification: Likely benign for APC-Associated Polyposis Disorders. Last evaluated: 2017-04-27. Review status: criteria provided, single submitter. Criteria: ICSL Variant Classification Criteria 13 December 2019. Collection method: clinical testing. Allele origin: germline.
Comment: This variant was observed as part of a predisposition screen in an ostensibly healthy population. A literature search was performed for the gene, cDNA change, and amino acid change (where applicable). Publications were found based on this search. The evidence from the literature, in combination with allele frequency data from public databases where available, was sufficient to determine this variant is unlikely to cause disease. Therefore, this variant is classified as likely benign.

CSER _CC_NCGL, University of Washington
Classification: Uncertain significance for Colorectal adenoma. Last evaluated: 2014-06-01. Review status: criteria provided, single submitter. Criteria: Amendola et al. (Genome Res. 2015). Collection method: research. Allele origin: germline. Inheritance: Autosomal dominant inheritance. Study: ESP 6500 variant annotation.
Comment: Low GERP score may suggest that this variant belongs in a lower pathogenicity class

Variants classified for the Actionable exomic incidental findings in 6503 participants: challenges of variant classification manuscript

Counsyl
Classification: Uncertain significance for Familial adenomatous polyposis 1. Last evaluated: 2015-12-04. Review status: no assertion criteria provided. Collection method: clinical testing. Allele origin: unknown. Not counted in ClinVar's aggregate classification.

Literature cited by the submitters: PubMed 34250417 (cited by Quest Diagnostics Nichols Institute San Juan Capistrano and Women's Health and Genetics/Laboratory Corporation of America, LabCorp); PubMed 28944238 (cited by Quest Diagnostics Nichols Institute San Juan Capistrano and Sema4); PubMed 18199528 (cited by 6 submitters); PubMed 21859464 (cited by Quest Diagnostics Nichols Institute San Juan Capistrano and Women's Health and Genetics/Laboratory Corporation of America, LabCorp); PubMed 25637381 (cited by 3 submitters); PubMed 26332594 (cited by 3 submitters); PubMed 29684080 (cited by Sema4).